The following is an entry in ClinVar:

NC_000017.10:g.(?_10432333)_(10434433_?)del

Gene: MYH2 (myosin heavy chain 2; minus strand). Cytogenetic location: 17p13.1.
Variant type: Deletion.
Identifiers: ClinVar variation 1521224 (VCV001521224.8).

ClinVar aggregate classification (germline): Likely pathogenic (1 of 4 stars; one submission).

Conditions:
Myopathy, proximal, and ophthalmoplegia (CMYO6). Also called: MYOPATHY WITH CONGENITAL JOINT CONTRACTURES, OPHTHALMOPLEGIA, AND RIMMED VACUOLES; INCLUSION BODY MYOPATHY 3, AUTOSOMAL DOMINANT; CONGENITAL MYOPATHY 6 WITH OPHTHALMOPLEGIA. Identifiers: Orphanet 363677, Orphanet 79091, MedGen C1854106, MONDO:0011577, OMIM 605637.

Submission:

Labcorp Genetics (formerly Invitae), Labcorp
Classification: Likely pathogenic for Myopathy, proximal, and ophthalmoplegia. Last evaluated: 2021-11-12. Review status: criteria provided, single submitter. Criteria: Invitae Variant Classification Sherloc (09022015). Collection method: clinical testing. Allele origin: germline.
Comment: This variant results in the deletion of exons 23-26 and part of exon 27 (c.2697+517_3418del) of the MYH2 gene. It is expected to disrupt RNA splicing. Variants that disrupt the donor or acceptor splice site typically lead to a loss of protein function (PMID: 16199547), and loss-of-function variants in MYH2 are known to be pathogenic (PMID: 20418530, 23388406, 24193343). This variant has not been observed in the literature in individuals with autosomal recessive MYH2-related conditions. This variant has been reported in individual(s) with clinical features of autosomal dominant MYH2-related conditions (Invitae); however, the role of the variant in this condition is currently unclear. In summary, the currently available evidence indicates that the variant is pathogenic, but additional data are needed to prove that conclusively. Therefore, this variant has been classified as Likely Pathogenic.

Literature cited by the submitters: PubMed 16199547; PubMed 20418530; PubMed 23388406; PubMed 24193343.